The following is an entry in ClinVar:

NM_000179.3(MSH6):c.1654C>A (p.His552Asn)

Gene: MSH6 (mutS homolog 6; plus strand). Cytogenetic location: 2p16.3.
Variant type: single nucleotide variant.
Coding change: c.1654C>A on transcript NM_000179.3 (MANE Select); coding-DNA position 1654, C replaced by A.
Protein change: p.His552Asn; replaces histidine 552 with asparagine.
Molecular consequence: missense variant.
Genome position (GRCh38, 1-based): chr2:47,799,637, C>A. VCF-style: chr2-47799637-C-A. GRCh37 (hg19) VCF-style: chr2-48026776-C-A.
Other names: c.1264C>A, p.His422Asn (NM_001281492.2); c.748C>A, p.His250Asn (NM_001281493.2, NM_001281494.2, NM_001406811.1 and 6 more transcripts); c.1750C>A, p.His584Asn (NM_001406795.1, NM_001406802.1); c.1654C>A, p.His552Asn (NM_001406796.1, NM_001406798.1, NM_001406800.1 and 3 more transcripts); c.1357C>A, p.His453Asn (NM_001406797.1, NM_001406801.1, NM_001406805.1 and 10 more transcripts); c.1129C>A, p.His377Asn (NM_001406799.1, NM_001406806.1, NM_001406807.1); c.1576C>A, p.His526Asn (NM_001406804.1); c.1660C>A, p.His554Asn (NM_001406813.1); and 1 more; short protein forms H250N, H453N, H552N, H554N, H584N, H377N, H496N, H526N.
Identifiers: ClinVar variation 1777315 (VCV001777315.2), dbSNP rs2104358684, ClinGen allele CA346747294.

ClinVar aggregate classification (germline): Uncertain significance (1 of 4 stars; one submission).

Conditions:
Hereditary cancer-predisposing syndrome. Also called: Neoplastic Syndromes, Hereditary; Tumor predisposition; Hereditary Cancer Syndrome; Hereditary neoplastic syndrome. Identifiers: Orphanet 140162, MedGen C0027672, MeSH D009386, MONDO:0015356.

Submission:

Ambry Genetics
Classification: Uncertain significance for Hereditary cancer-predisposing syndrome. Last evaluated: 2019-08-31. Review status: criteria provided, single submitter. Criteria: Ambry Variant Classification Scheme 2023. Collection method: clinical testing. Allele origin: germline.
Comment: The p.H552N variant (also known as c.1654C>A), located in coding exon 4 of the MSH6 gene, results from a C to A substitution at nucleotide position 1654. The histidine at codon 552 is replaced by asparagine, an amino acid with similar properties. This amino acid position is not well conserved in available vertebrate species. In addition, this alteration is predicted to be tolerated by in silico analysis. Since supporting evidence is limited at this time, the clinical significance of this alteration remains unclear.